The following is an entry in ClinVar:

NM_033028.5(BBS4):c.85T>G (p.Phe29Val)

Gene: BBS4 (Bardet-Biedl syndrome 4; plus strand). Cytogenetic location: 15q24.1.
Variant type: single nucleotide variant.
Coding change: c.85T>G on transcript NM_033028.5 (MANE Select); coding-DNA position 85, T replaced by G.
Protein change: p.Phe29Val; replaces phenylalanine 29 with valine.
Molecular consequence: missense variant. On other transcripts: 5 prime UTR variant (1), non-coding transcript variant (2).
Genome position (GRCh38, 1-based): chr15:72,709,708, T>G. VCF-style: chr15-72709708-T-G. GRCh37 (hg19) VCF-style: chr15-73002049-T-G.
Other names: c.-437T>G (NM_001252678.2); c.85T>G, p.Phe29Val (NM_001320665.2); short protein forms F29V.
Identifiers: ClinVar variation 1715847 (VCV001715847.5), dbSNP rs1343702152, ClinGen allele CA393075764.

ClinVar aggregate classification (germline): Uncertain significance (1 of 4 stars; one submission).

Conditions:
Bardet-Biedl syndrome (BBS). Identifiers: Orphanet 110, MedGen C0752166, MONDO:0015229.

Allele frequency attached by ClinVar (database versions not stated): gnomAD exomes below 0.00001.
gnomAD v4.1: 1 of 1,612,202 alleles (0.000062%); highest among the groups gnomAD compares: Admixed American, 0.0017%; no homozygotes.

Submission:

Labcorp Genetics (formerly Invitae), Labcorp
Classification: Uncertain significance for Bardet-Biedl syndrome. Last evaluated: 2025-08-21. Review status: criteria provided, single submitter. Criteria: Invitae Variant Classification Sherloc (09022015). Collection method: clinical testing. Allele origin: germline.
Comment: This sequence change replaces phenylalanine, which is neutral and non-polar, with valine, which is neutral and non-polar, at codon 29 of the BBS4 protein (p.Phe29Val). This variant is present in population databases (no rsID available, gnomAD 0.003%). This variant has not been reported in the literature in individuals affected with BBS4-related conditions. ClinVar contains an entry for this variant (Variation ID: 1715847). An algorithm developed to predict the effect of missense changes on protein structure and function (PolyPhen-2) suggests that this variant is likely to be tolerated. In summary, the available evidence is currently insufficient to determine the role of this variant in disease. Therefore, it has been classified as a Variant of Uncertain Significance.